The following is an entry in ClinVar:

ClinVar aggregate classification (germline): Uncertain significance. Review status: criteria provided, multiple submitters, no conflicts (2 of 4 stars). 2 submissions from 2 submitters: Uncertain significance (2). Last evaluated 2024-07-28.

Conditions:
Cardiovascular phenotype. Identifiers: MedGen CN230736.

Allele frequency attached by ClinVar (database versions not stated): gnomAD 0.00001; TOPMed 0.00001; gnomAD exomes 0.00002.
gnomAD v4.1: 23 of 1,612,150 alleles (0.0014%); highest among the groups gnomAD compares: Non-Finnish European, 0.0019%; no homozygotes.

Submissions (2):

GeneDx
Classification: Uncertain significance. Last evaluated: 2024-07-28. Review status: criteria provided, single submitter. Criteria: GeneDx Variant Classification Process June 2021. Collection method: clinical testing. Allele origin: germline. Affected: yes.
Comment: Identified in association with hypertriglyceridemia in published literature (PMID: 36325899); Not observed at significant frequency in large population cohorts (gnomAD); In silico analysis indicates that this missense variant does not alter protein structure/function; This variant is associated with the following publications: (PMID: 36325899, 36690263)

Ambry Genetics
Classification: Uncertain significance for Cardiovascular phenotype. Last evaluated: 2022-03-17. Review status: criteria provided, single submitter. Criteria: Ambry Variant Classification Scheme 2023. Collection method: clinical testing. Allele origin: germline.
Comment: The p.F191I variant (also known as c.571T>A), located in coding exon 3 of the APOA5 gene, results from a T to A substitution at nucleotide position 571. The phenylalanine at codon 191 is replaced by isoleucine, an amino acid with highly similar properties. This amino acid position is conserved. In addition, the in silico prediction for this alteration is inconclusive. Since supporting evidence is limited at this time, the clinical significance of this alteration remains unclear.

NM_001371904.1(APOA5):c.571T>A (p.Phe191Ile)

Gene: APOA5 (apolipoprotein A5; minus strand). Cytogenetic location: 11q23.3.
Variant type: single nucleotide variant.
Coding change: c.571T>A on transcript NM_001371904.1 (MANE Select); coding-DNA position 571, T replaced by A.
Protein change: p.Phe191Ile; replaces phenylalanine 191 with isoleucine.
Molecular consequence: missense variant.
Genome position (GRCh38, 1-based): chr11:116,790,658, A>T on the plus strand (T>A on the coding strand, the complement: APOA5 is on the minus strand). VCF-style: chr11-116790658-A-T. GRCh37 (hg19) VCF-style: chr11-116661374-A-T.
Other names: c.571T>A, p.Phe191Ile (NM_001166598.2, NM_052968.5); short protein forms F191I.
Identifiers: ClinVar variation 1749282 (VCV001749282.3), dbSNP rs1338032715, ClinGen allele CA382738051.